The following is an entry in ClinVar:

ClinVar aggregate classification (germline): Uncertain significance (1 of 4 stars; one submission).

Conditions:
Hypertrophic cardiomyopathy. Also called: HYPERTROPHIC MYOCARDIOPATHY. Identifiers: Orphanet 217569, MedGen C0007194, MeSH D002312, MONDO:0005045, HP:0001639.

gnomAD v4.1: 1 of 1,614,090 alleles (0.000062%); highest among the groups gnomAD compares: South Asian, 0.0011%; no homozygotes.

Submission:

Labcorp Genetics (formerly Invitae), Labcorp
Classification: Uncertain significance for Hypertrophic cardiomyopathy. Last evaluated: 2024-10-05. Review status: criteria provided, single submitter. Criteria: Invitae Variant Classification Sherloc (09022015). Collection method: clinical testing. Allele origin: germline.
Comment: This sequence change falls in intron 6 of the TNNI3 gene. It does not directly change the encoded amino acid sequence of the TNNI3 protein. It affects a nucleotide within the consensus splice site. This variant is not present in population databases (gnomAD no frequency). This variant has not been reported in the literature in individuals affected with TNNI3-related conditions. Variants that disrupt the consensus splice site are a relatively common cause of aberrant splicing (PMID: 17576681, 9536098). Algorithms developed to predict the effect of sequence changes on RNA splicing suggest that this variant is not likely to affect RNA splicing. In summary, the available evidence is currently insufficient to determine the role of this variant in disease. Therefore, it has been classified as a Variant of Uncertain Significance.

Literature cited by the submitters: PubMed 17576681; PubMed 9536098.

NM_000363.5(TNNI3):c.372+3G>A

Gene: TNNI3 (troponin I3, cardiac type; minus strand). Cytogenetic location: 19q13.42.
Variant type: single nucleotide variant.
Coding change: c.372+3G>A on transcript NM_000363.5 (MANE Select); 3 bases into the intron after coding-DNA position 372, G replaced by A.
Molecular consequence: intron variant.
Genome position (GRCh38, 1-based): chr19:55,154,738, C>T on the plus strand (G>A on the coding strand, the complement: TNNI3 is on the minus strand). VCF-style: chr19-55154738-C-T. GRCh37 (hg19) VCF-style: chr19-55666106-C-T.
Identifiers: ClinVar variation 3611367 (VCV003611367.1).